The following is an entry in ClinVar:

ClinVar aggregate classification (germline): Benign. Review status: criteria provided, single submitter (1 of 4 stars). 2 submissions from 2 submitters: Benign (1). 1 of the submissions does not count toward it. Last evaluated 2025-09-14.

Conditions:
LRMDA-related disorder. Also called: LRMDA-related condition.

Allele frequency attached by ClinVar (database versions not stated): gnomAD 0.00052 and 0.00074; gnomAD exomes 0.00052 and 0.00181; TOPMed 0.00108; ExAC 0.00187; 1000 Genomes Project 0.00379; 1000 Genomes Project 30x 0.00406.
gnomAD v4.1: 890 of 1,614,132 alleles (0.055%); highest among the groups gnomAD compares: East Asian, 1.6%; 9 homozygotes.

Submissions (2):

Labcorp Genetics (formerly Invitae), Labcorp
Classification: Benign. Last evaluated: 2025-09-14. Review status: criteria provided, single submitter. Criteria: Invitae Variant Classification Sherloc (09022015). Collection method: clinical testing. Allele origin: germline.

PreventionGenetics, part of Exact Sciences
Classification: Benign for LRMDA-related condition. Last evaluated: 2019-06-17. Review status: no assertion criteria provided. Collection method: clinical testing. Allele origin: germline. Not counted in ClinVar's aggregate classification.
Comment: This variant is classified as benign based on ACMG/AMP sequence variant interpretation guidelines (Richards et al. 2015 PMID: 25741868, with internal and published modifications).

NM_001305581.2(LRMDA):c.480G>T (p.Leu160Phe)

Gene: LRMDA (leucine rich melanocyte differentiation associated; plus strand). Cytogenetic location: 10q22.3.
Variant type: single nucleotide variant.
Coding change: c.480G>T on transcript NM_001305581.2 (MANE Select); coding-DNA position 480, G replaced by T.
Protein change: p.Leu160Phe; replaces leucine 160 with phenylalanine.
Molecular consequence: missense variant. On other transcripts: non-coding transcript variant (1).
Genome position (GRCh38, 1-based): chr10:76,058,747, G>T. VCF-style: chr10-76058747-G-T. GRCh37 (hg19) VCF-style: chr10-77818505-G-T.
Other names: c.396G>T, p.Leu132Phe (NM_032024.5); short protein forms L132F, L160F.
Identifiers: ClinVar variation 717935 (VCV000717935.12), dbSNP rs188514106, ClinGen allele CA5567629.